The following is an entry in ClinVar:

ClinVar aggregate classification (germline): Uncertain significance (1 of 4 stars; one submission).

Conditions:
Cardiovascular phenotype. Identifiers: MedGen CN230736.

Submission:

Ambry Genetics
Classification: Uncertain significance for Cardiovascular phenotype. Last evaluated: 2026-07-11. Review status: criteria provided, single submitter. Criteria: Ambry Variant Classification Scheme 2023. Collection method: clinical testing. Allele origin: germline.
Comment: The p.K876E variant (also known as c.2626A>G), located in coding exon 16 of the CBL gene, results from an A to G substitution at nucleotide position 2626. The lysine at codon 876 is replaced by glutamic acid, an amino acid with similar properties. This amino acid position is conserved. In addition, the in silico prediction for this alteration is inconclusive. Based on the available evidence, the clinical significance of this variant remains unclear.

NM_005188.4(CBL):c.2626A>G (p.Lys876Glu)

Gene: CBL (Cbl proto-oncogene; plus strand). Cytogenetic location: 11q23.3.
Variant type: single nucleotide variant.
Coding change: c.2626A>G on transcript NM_005188.4 (MANE Select); coding-DNA position 2626, A replaced by G.
Protein change: p.Lys876Glu; replaces lysine 876 with glutamic acid.
Molecular consequence: missense variant.
Genome position (GRCh38, 1-based): chr11:119,299,686, A>G. VCF-style: chr11-119299686-A-G. GRCh37 (hg19) VCF-style: chr11-119170396-A-G.
Other names: short protein forms K876E.
Identifiers: ClinVar variation 5033738 (VCV005033738.1).